The following is an entry in ClinVar:

ClinVar aggregate classification (germline): Conflicting classifications of pathogenicity. Review status: criteria provided, conflicting classifications (1 of 4 stars). 7 submissions from 7 submitters: Likely pathogenic (2); Uncertain significance (4). 1 of the submissions does not count toward it. Last evaluated 2025-02-13.

Conditions:
Very long chain acyl-CoA dehydrogenase deficiency (ACADVLD). Also called: VLCAD Deficiency; Very Long-Chain Acyl-Coenzyme A Dehydrogenase Deficiency. Identifiers: Orphanet 26793, MedGen C3887523, MONDO:0008723, OMIM 201475.
ACADVL-related disorder. Also called: ACADVL-related condition.

Allele frequency attached by ClinVar (database versions not stated): TOPMed below 0.00001.
gnomAD v4.1: 2 of 1,613,876 alleles (0.00012%); highest among the groups gnomAD compares: Non-Finnish European, 0.00017%; no homozygotes.

Submissions (7):

Women's Health and Genetics/Laboratory Corporation of America, LabCorp
Classification: Uncertain significance. Last evaluated: 2025-02-13. Review status: criteria provided, single submitter. Criteria: LabCorp Variant Classification Summary - May 2015. Collection method: clinical testing. Allele origin: germline.
Comment: Variant summary: ACADVL c.1019G>T (p.Gly340Val) results in a non-conservative amino acid change located in the Acyl-CoA dehydrogenase/oxidase, C-terminal domain (IPR009075) of the encoded protein sequence. Five of five in-silico tools predict a damaging effect of the variant on protein function. The variant was absent in 251308 control chromosomes. The available data on variant occurrences in the general population are insufficient to allow any conclusion about variant significance. c.1019G>T has been reported in the literature in individuals with clinical presentations suggestive of Very Long Chain Acyl-CoA Dehydrogenase Deficiency (e.g., Evans_2016, Miller_2015, Olpin_2017). These report(s) do not provide unequivocal conclusions about association of the variant with Very Long Chain Acyl-CoA Dehydrogenase Deficiency. To our knowledge, no experimental evidence demonstrating an impact on protein function has been reported. The following publications have been ascertained in the context of this evaluation (PMID: 27246109, 26385305, DOI 10.3390/ijns3010002). ClinVar contains an entry for this variant (Variation ID: 426177). Based on the evidence outlined above, the variant was classified as uncertain significance.

PreventionGenetics, part of Exact Sciences
Classification: Uncertain significance for ACADVL-related condition. Last evaluated: 2023-03-17. Review status: criteria provided, single submitter. Criteria: ACMG Guidelines, 2015. Collection method: clinical testing. Allele origin: germline.
Comment: The ACADVL c.1019G>T variant is predicted to result in the amino acid substitution p.Gly340Val. This variant was detected in at least in six individuals with abnormal newborn screening suggestive of VLCADD. Based on the available literature, it is unclear if another pathogenic variant was detected on the opposite allele (Miller et al. 2015. PubMed ID: 26385305, Evans and Nation. 2016. PubMed ID: 27246109). In sillico structural modeling analysis suggested that this variant is located in close proximity to the VLCAD active site (Miller et al. 2015. PubMed ID: 26385305). This variant has not been reported in a large population database, indicating this variant is rare. Although we suspect that this variant may be pathogenic, at this time, the clinical significance of this variant is uncertain due to the absence of conclusive functional and genetic evidence.

Labcorp Genetics (formerly Invitae), Labcorp
Classification: Uncertain significance for Very long chain acyl-CoA dehydrogenase deficiency. Last evaluated: 2022-08-20. Review status: criteria provided, single submitter. Criteria: Invitae Variant Classification Sherloc (09022015). Collection method: clinical testing. Allele origin: germline.
Comment: This sequence change replaces glycine, which is neutral and non-polar, with valine, which is neutral and non-polar, at codon 340 of the ACADVL protein (p.Gly340Val). This variant is not present in population databases (gnomAD no frequency). This missense change has been observed in individual(s) with a positive newborn screening result for ACADVL-related disease (PMID: 26385305, 27246109). ClinVar contains an entry for this variant (Variation ID: 426177). Algorithms developed to predict the effect of missense changes on protein structure and function (SIFT, PolyPhen-2, Align-GVGD) all suggest that this variant is likely to be disruptive. Algorithms developed to predict the effect of sequence changes on RNA splicing suggest that this variant may create or strengthen a splice site. In summary, the available evidence is currently insufficient to determine the role of this variant in disease. Therefore, it has been classified as a Variant of Uncertain Significance.

Wong Mito Lab, Molecular and Human Genetics, Baylor College of Medicine
Classification: Uncertain significance for Very long chain acyl-CoA dehydrogenase deficiency. Last evaluated: 2019-11-01. Review status: criteria provided, single submitter. Criteria: ACMG Guidelines, 2015. Collection method: clinical testing. Allele origin: germline.
Comment: The NM_000018.3:c.1019G>T (NP_000009.1:p.Gly340Val) [GRCH38: NC_000017.11:g.7222807G>T] variant in ACADVL gene is interpretated to be Uncertain Significance based on ACMG guidelines (PMID: 25741868). This variant has been reported. This variant dose not meet any evidence codes reported in the ACMG guidelines.

GeneDx
Classification: Likely pathogenic. Last evaluated: 2019-06-10. Review status: criteria provided, single submitter. Criteria: GeneDx Variant Classification Process June 2021. Collection method: clinical testing. Allele origin: germline. Affected: yes.
Comment: Not observed in large population cohorts (Lek et al., 2016); In silico analysis, which includes protein predictors and evolutionary conservation, supports a deleterious effect; Observed as heterozygous in multiple patients with abnormal newborn screening results for very long chain acyl-CoA dehydrogenase (VLCAD) deficiency in whom a second pathogenic variant was not identified in the ACADVL gene; no additional clinical information was provided for these patients (Miller et al. 2015; Evans et al., 2016).; This variant is associated with the following publications: (PMID: 26385305, 27246109)

ARUP Laboratories, Molecular Genetics and Genomics, ARUP Laboratories
Classification: Likely pathogenic. Last evaluated: 2017-07-27. Review status: criteria provided, single submitter. Criteria: ARUP Molecular Germline Variant Investigation Process. Collection method: clinical testing. Allele origin: germline.
Comment: The ACADVL c.1019G>T;p.Gly340Val variant has been described in the medical literature in individuals identified by newborn screen and at least one reportedly symptomatic adult (Evans 2016, Miller 2015, Olpin 2017). The variant is listed in the ClinVar database (Variation ID: 426177) but not the dbSNP variant database or the general population-based databases (Exome Variant Server, Genome Aggregation Database). The amino acid at this position is well conserved across species, located near the active site (McAndrew 2008), and computational algorithms (AlignGVGD, PolyPhen2, SIFT) predict this variant is deleterious. Considering available information, this variant is considered likely pathogenic. References: Evans M et al. VLCAD deficiency: Follow-up and outcome of patients diagnosed through newborn screening in Victoria. Mol Genet Metab. 2016 Aug;118(4):282-7. McAndrew RP et al. Structural basis for substrate fatty acyl chain specificity: crystal structure of human very-long-chain acyl-CoA dehydrogenase. J Biol Chem. 2008 Apr 4;283(14):9435-43. Miller MJ et al. Recurrent ACADVL molecular findings in individuals with a positive newborn screen for very long chain acyl-coA dehydrogenase (VLCAD) deficiency in the United States. Mol Genet Metab. 2015 Nov;116(3):139-45. Olpin SE et al. Fibroblast Fatty-Acid Oxidation Flux Assays Stratify Risk in Newborns with Presumptive-Positive Results on Screening for Very-Long Chain Acyl-CoA Dehydrogenase Deficiency. Int J Neonat Screen. 2017 3(1):2.

Counsyl
Classification: Uncertain significance for Very long chain acyl-CoA dehydrogenase deficiency. Last evaluated: 2018-02-23. Review status: no assertion criteria provided. Collection method: clinical testing. Allele origin: unknown. Not counted in ClinVar's aggregate classification.

Literature cited by the submitters: PubMed 26385305 (cited by 3 submitters); PubMed 27246109 (cited by 3 submitters).

NM_000018.4(ACADVL):c.1019G>T (p.Gly340Val)

Gene: ACADVL (acyl-CoA dehydrogenase very long chain; plus strand). Cytogenetic location: 17p13.1.
Variant type: single nucleotide variant.
Coding change: c.1019G>T on transcript NM_000018.4 (MANE Select); coding-DNA position 1019, G replaced by T.
Protein change: p.Gly340Val; replaces glycine 340 with valine.
Molecular consequence: missense variant.
Genome position (GRCh38, 1-based): chr17:7,222,807, G>T. VCF-style: chr17-7222807-G-T. GRCh37 (hg19) VCF-style: chr17-7126126-G-T.
Other names: c.953G>T, p.Gly318Val (NM_001033859.3); c.1088G>T, p.Gly363Val (NM_001270447.2); c.791G>T, p.Gly264Val (NM_001270448.2); short protein forms G340V, G264V, G318V, G363V.
Identifiers: ClinVar variation 426177 (VCV000426177.22), dbSNP rs934797393, ClinGen allele CA287437667.
Genomic context (GRCh38, chr17:7,222,807, plus strand): 5'-AGAACGTGCTGGGTGAGGTTGGGAGTGGCTTCAAGGTTGCCATGCACATCCTCAACAATG[G>T]AAGGTTTGGCATGGCTGCGGCCCTGGCAGGTACCATGAGAGGCATCATTGCTAAGGCGGT-3'
Protein context (NP_000009.1, residues 330-350): FKVAMHILNN[Gly340Val]RFGMAAALAG